The following is an entry in ClinVar:

NM_001394998.1(TANC2):c.2889A>G (p.Leu963=)

Genes: TANC2 (tetratricopeptide repeat, ankyrin repeat and coiled-coil containing 2; plus strand), LOC105371856 (uncharacterized LOC105371856; minus strand). Cytogenetic location: 17q23.3.
Variant type: single nucleotide variant.
Coding change: c.2889A>G on transcript NM_001394998.1 (MANE Select); coding-DNA position 2889, A replaced by G.
Protein change: p.Leu963=; no amino-acid change (leucine 963 retained).
Molecular consequence: synonymous variant.
Genome position (GRCh38, 1-based): chr17:63,389,382, A>G. VCF-style: chr17-63389382-A-G. GRCh37 (hg19) VCF-style: chr17-61466743-A-G.
Other names: c.2667A>G, p.Leu889= (NM_001411076.1, NM_025185.4).
Identifiers: ClinVar variation 3771101 (VCV003771101.13).
Genomic context (GRCh38, chr17:63,389,382, plus strand): 5'-GATTTTGGGAGGTGCCAATATTAATTACCGGACAGAGGTTTTAAATAATGCTCCAATTCT[A>G]TGTGTTCAGTCCCATCTTGGTTACACAGAAATGGTAGCCCTGCTGCTGGAGTTCGGGGCC-3'
Protein context (NP_001381927.1, residues 953-973): RTEVLNNAPI[Leu963=]CVQSHLGYTE

ClinVar aggregate classification (germline): Likely benign (1 of 4 stars; one submission).

Submission:

CeGaT Center for Human Genetics Tuebingen
Classification: Likely benign. Last evaluated: 2024-12-01. Review status: criteria provided, single submitter. Criteria: CeGaT Center For Human Genetics Tuebingen Variant Classification Criteria Version 2. Collection method: clinical testing. Allele origin: germline. Affected: yes. Observed: 1 variant allele.
Comment: TANC2: BP4, BP7